The following is an entry in ClinVar:

NM_003283.6(TNNT1):c.193-88T>C

Gene: TNNT1 (troponin T1, slow skeletal type; minus strand). Cytogenetic location: 19q13.42.
Variant type: single nucleotide variant.
Coding change: c.193-88T>C on transcript NM_003283.6 (MANE Select); 88 bases into the intron before coding-DNA position 193, T replaced by C.
Molecular consequence: intron variant.
Genome position (GRCh38, 1-based): chr19:55,141,390, A>G on the plus strand (T>C on the coding strand, the complement: TNNT1 is on the minus strand). VCF-style: chr19-55141390-A-G. GRCh37 (hg19) VCF-style: chr19-55652758-A-G.
Other names: c.160-88T>C (NM_001126133.3, NM_001291774.2); c.193-88T>C (NM_001126132.3).
Identifiers: ClinVar variation 31861 (VCV000031861.5), dbSNP rs2560942, ClinGen allele CA215419.
Genomic context (GRCh38, chr19:55,141,390, plus strand): 5'-AGGAGACCCTGGAGGGGGCAGCAGCCTCCCAGCACCTCCCCCATGCAGGATGGTGAACTG[A>G]ACCGTTTCCCAGGACGGTATCCAGCAGGTGGCAGCAATGCCTCGTGTTTGACACTAATCA-3'

ClinVar aggregate classification (germline): Benign. Review status: criteria provided, multiple submitters, no conflicts (2 of 4 stars). 3 submissions from 3 submitters: Benign (2). 1 of the submissions does not count toward it. Last evaluated 2018-06-14.

Allele frequency attached by ClinVar (database versions not stated): 1000 Genomes Project 0.50619; gnomAD 0.40245 and 0.40545; 1000 Genomes Project 30x 0.51124; TOPMed 0.41578.
gnomAD v4.1: 314,819 of 960,358 alleles (33%); highest among the groups gnomAD compares: African/African-American, 66%; 59,944 homozygotes.

Submissions (3):

GeneDx
Classification: Benign. Last evaluated: 2018-06-14. Review status: criteria provided, single submitter. Criteria: GeneDx Variant Classification (06012015). Collection method: clinical testing. Allele origin: germline. Affected: yes.
Comment: This variant is considered likely benign or benign based on one or more of the following criteria: it is a conservative change, it occurs at a poorly conserved position in the protein, it is predicted to be benign by multiple in silico algorithms, and/or has population frequency not consistent with disease.

Breakthrough Genomics
Classification: Benign. Review status: criteria provided, single submitter. Criteria: ACMG Guidelines, 2015. Collection method: not provided. Allele origin: germline. Inheritance: Autosomal recessive inheritance. Affected: yes.

Leiden Muscular Dystrophy (TNNT1)
No classification provided. Last evaluated: 2012-03-18. Review status: no classification provided. Collection method: curation. Allele origin: germline. Not counted in ClinVar's aggregate classification.